The following is an entry in ClinVar:

ClinVar aggregate classification (germline): Likely pathogenic (1 of 4 stars; one submission).

Conditions:
Alagille syndrome due to a JAG1 point mutation. Also called: HEPATIC DUCTULAR HYPOPLASIA, SYNDROMATIC; Alagille Syndrome 1; JAG1-Related Alagille Syndrome. Identifiers: Orphanet 261619, Orphanet 52, MedGen C1956125, MONDO:0016862, OMIM 118450.

Submission:

Molecular Genetics Laboratory, CHU Lille
Classification: Likely pathogenic for Alagille syndrome due to a JAG1 point mutation. Last evaluated: 2026-08-19. Review status: criteria provided, single submitter. Criteria: ACMG Guidelines, 2015. Collection method: clinical testing. Allele origin: germline. Affected: yes.
Comment: This is a nonsense variant predicted to result in a premature stop codon, likely leading to an absent or disrupted protein product. Furthermore, it is absent from public databases including gnomAD. In summary, this variant meets the criteria to be classified as likely pathogenic for alagille syndrome based on the applied ACMG/AMP guidelines (PVS1, PM2),

NM_000214.3(JAG1):c.2205G>A (p.Trp735Ter)

Gene: JAG1 (jagged canonical Notch ligand 1; minus strand). Cytogenetic location: 20p12.2.
Variant type: single nucleotide variant.
Coding change: c.2205G>A on transcript NM_000214.3 (MANE Select); coding-DNA position 2205, G replaced by A.
Protein change: p.Trp735Ter; replaces tryptophan 735 with a stop codon.
Molecular consequence: nonsense.
Genome position (GRCh38, 1-based): chr20:10,645,165, C>T on the plus strand (G>A on the coding strand, the complement: JAG1 is on the minus strand). VCF-style: chr20-10645165-C-T. GRCh37 (hg19) VCF-style: chr20-10625813-C-T.
Other names: short protein forms W735*.
Identifiers: ClinVar variation 4886936 (VCV004886936.1).
Genomic context (GRCh38, chr20:10,645,165, plus strand): 5'-CATGCCCACTGCAGATCCCACGTGGGGCATAAAGTTACCTATGTTACAGGTTGTTCCTTC[C>T]CAGCCGCCAGGACACATGCACTTAAAAGCATCCCCCTCATCATAGCAGGTGCCACCGTTG-3'